The following is an entry in ClinVar:

NM_004415.4(DSP):c.6467G>A (p.Arg2156Lys)

Gene: DSP (desmoplakin; plus strand). Cytogenetic location: 6p24.3.
Variant type: single nucleotide variant.
Coding change: c.6467G>A on transcript NM_004415.4 (MANE Select); coding-DNA position 6467, G replaced by A.
Protein change: p.Arg2156Lys; replaces arginine 2156 with lysine.
Molecular consequence: missense variant.
Genome position (GRCh38, 1-based): chr6:7,583,729, G>A. VCF-style: chr6-7583729-G-A. GRCh37 (hg19) VCF-style: chr6-7583962-G-A.
Other names: c.4670G>A, p.Arg1557Lys (NM_001008844.3); c.5138G>A, p.Arg1713Lys (NM_001319034.2); short protein forms R1557K, R1713K, R2156K.
Identifiers: ClinVar variation 3894464 (VCV003894464.1).

ClinVar aggregate classification (germline): Uncertain significance (1 of 4 stars; one submission).

Conditions:
Cardiomyopathy (CMYO). Also called: Cardiomyopathies. Identifiers: Orphanet 167848, MedGen C0878544, MONDO:0004994, HP:0001638. Inheritance: Various modes of inheritance.

Submission:

Color Diagnostics, LLC DBA Color Health
Classification: Uncertain significance for Cardiomyopathy. Last evaluated: 2024-03-04. Review status: criteria provided, single submitter. Criteria: ACMG Guidelines, 2015. Collection method: clinical testing. Allele origin: germline.
Comment: This missense variant replaces arginine with lysine at codon 2156 of the DSP protein. Computational prediction suggests that this variant may not impact protein structure and function (internally defined REVEL score threshold <= 0.5, PMID: 27666373). To our knowledge, functional studies have not been reported for this variant. This variant has not been reported in individuals affected with DSP-related disorders in the literature. This variant has not been identified in the general population by the Genome Aggregation Database (gnomAD). The available evidence is insufficient to determine the role of this variant in disease conclusively. Therefore, this variant is classified as a Variant of Uncertain Significance.